The following is an entry in ClinVar:

NM_000051.4(ATM):c.1921G>A (p.Glu641Lys)

Gene: ATM (ATM serine/threonine kinase; plus strand). Cytogenetic location: 11q22.3.
Variant type: single nucleotide variant.
Coding change: c.1921G>A on transcript NM_000051.4 (MANE Select); coding-DNA position 1921, G replaced by A.
Protein change: p.Glu641Lys; replaces glutamic acid 641 with lysine.
Molecular consequence: missense variant.
Genome position (GRCh38, 1-based): chr11:108,253,836, G>A. VCF-style: chr11-108253836-G-A. GRCh37 (hg19) VCF-style: chr11-108124563-G-A.
Other names: c.1921G>A, p.Glu641Lys (NM_001351834.2); short protein forms E641K.
Identifiers: ClinVar variation 4747179 (VCV004747179.1).
Genomic context (GRCh38, chr11:108,253,836, plus strand): 5'-TACTTGGTTTATATATTAAAGATCTTACTTTCTTGAAGTGAACACCACCAAAAAGATAAA[G>A]AAGAACTTTCATTCTCAGAAGTAGAAGAACTATTTCTTCAGACAACTTTTGACAAGATGG-3'
Protein context (NP_000042.3, residues 631-651): PECEHHQKDK[Glu641Lys]ELSFSEVEEL

ClinVar aggregate classification (germline): Uncertain significance (1 of 4 stars; one submission).

Conditions:
Ataxia-telangiectasia syndrome (AT). Also called: Ataxia-telangiectasia, complementation group D; AT, COMPLEMENTATION GROUP C; Ataxia-telangiectasia; Ataxia telangiectasia (A-T); LOUIS-BAR SYNDROME; Cerebello-oculocutaneous telangiectasia. Identifiers: Orphanet 100, MedGen C0004135, MONDO:0008840, OMIM 208900.

Submission:

Labcorp Genetics (formerly Invitae), Labcorp
Classification: Uncertain significance for Ataxia-telangiectasia syndrome. Last evaluated: 2026-01-13. Review status: criteria provided, single submitter. Criteria: Invitae Variant Classification Sherloc (09022015). Collection method: clinical testing. Allele origin: germline.
Comment: This sequence change replaces glutamic acid, which is acidic and polar, with lysine, which is basic and polar, at codon 641 of the ATM protein (p.Glu641Lys). RNA analysis indicates that this missense change induces altered splicing and may result in an absent or altered protein product. This variant is not present in population databases (gnomAD no frequency). This variant has not been reported in the literature in individuals affected with ATM-related conditions. Invitae Evidence Modeling of protein sequence and biophysical properties (such as structural, functional, and spatial information, amino acid conservation, physicochemical variation, residue mobility, and thermodynamic stability) indicates that this missense variant is not expected to disrupt ATM protein function with a negative predictive value of 95%. Studies have shown that this missense change results in partial skipping of exon 13, and produces a non-functional protein and/or introduces a premature termination codon (internal data). In summary, the available evidence is currently insufficient to determine the role of this variant in disease. Therefore, it has been classified as a Variant of Uncertain Significance.